The following is an entry in ClinVar:

ClinVar aggregate classification (germline): Conflicting classifications of pathogenicity. Review status: criteria provided, conflicting classifications (1 of 4 stars). 6 submissions from 6 submitters: Likely pathogenic (3); Uncertain significance (2). 1 of the submissions does not count toward it. Last evaluated 2025-11-12.

Conditions:
Aicardi Goutieres syndrome (AGS). Also called: Encephalopathy, familial infantile, with calcification of basal ganglia and chronic cerebrospinal fluid lymphocytosis. Identifiers: Orphanet 51, MedGen C0393591, MONDO:0018866.
Aicardi-Goutieres syndrome 5. Identifiers: Orphanet 51, MedGen C2749659, MONDO:0013059, OMIM 612952.

Allele frequency attached by ClinVar (database versions not stated): ExAC 0.00001; gnomAD 0.00001.
gnomAD v4.1: 5 of 1,613,960 alleles (0.00031%); highest among the groups gnomAD compares: South Asian, 0.0011%; no homozygotes.

Submissions (6):

Department of Molecular Genetics, Istishari Arab Hospital
Classification: Likely pathogenic for Aicardi-Goutieres syndrome 5. Last evaluated: 2025-11-12. Review status: criteria provided, single submitter. Criteria: ACMG Guidelines, 2015. Collection method: clinical testing. Allele origin: germline. Inheritance: Autosomal recessive inheritance. Affected: yes.
Comment: The SAMHD1 variant c.494T>C p.Phe165Ser creates an amino acid change from Phe to Ser at position 165. This variant is observed with very low frequency in the gnomAD v4.1.0 dataset (<0.001). This variant was previously reported in a patient with Aicardi-Goutieres syndrome (PMID: 35418820). It is classified as likely pathogenic (class 2) according to the recommendations of ACMG/AMP/ClinGen SVI guidelines.

3billion
Classification: Likely pathogenic for Aicardi-Goutieres syndrome 5. Last evaluated: 2025-11-07. Review status: criteria provided, single submitter. Criteria: ACMG Guidelines, 2015. Collection method: clinical testing. Allele origin: germline. Affected: yes.
Comment: The variant is observed at an extremely low frequency in the gnomAD v4.1.0 dataset (total allele frequency: <0.001%). Predicted Consequence/Location: Missense variant. The majority of the known disease-causing variants of this gene are variants expected to result in premature termination of the protein. In silico tool predictions suggest damaging effect of the variant on gene or gene product [REVEL: 0.96 (>=0.6, sensitivity 0.68 and specificity 0.92); 3Cnet: 0.81 (> 0.75, sensitivity 0.96 and precision 0.92)]. The same nucleotide change resulting in the same amino acid change has been previously reported to be associated with SAMHD1-related disorder (PMID: 35418821).The variant has been reported to be in trans with a pathogenic variant as either compound heterozygous or homozygous in at least one similarly affected unrelated individual (PMID: 35418820). Therefore, this variant is classified as Likely pathogenic according to the recommendation of ACMG/AMP guideline.

Labcorp Genetics (formerly Invitae), Labcorp
Classification: Likely pathogenic for Aicardi-Goutieres syndrome 5. Last evaluated: 2025-07-28. Review status: criteria provided, single submitter. Criteria: Invitae Variant Classification Sherloc (09022015). Collection method: clinical testing. Allele origin: germline.
Comment: This sequence change replaces phenylalanine, which is neutral and non-polar, with serine, which is neutral and polar, at codon 165 of the SAMHD1 protein (p.Phe165Ser). This variant is present in population databases (rs765879627, gnomAD 0.0009%). This missense change has been observed in individual(s) with clinical features of Aicardi-Goutieres syndrome 5 (PMID: 35418820). In at least one individual the data is consistent with being in trans (on the opposite chromosome) from a pathogenic variant. ClinVar contains an entry for this variant (Variation ID: 445524). Invitae Evidence Modeling of protein sequence and biophysical properties (such as structural, functional, and spatial information, amino acid conservation, physicochemical variation, residue mobility, and thermodynamic stability) indicates that this missense variant is expected to disrupt SAMHD1 protein function with a positive predictive value of 95%. In summary, the currently available evidence indicates that the variant is pathogenic, but additional data are needed to prove that conclusively. Therefore, this variant has been classified as Likely Pathogenic.

Women's Health and Genetics/Laboratory Corporation of America, LabCorp
Classification: Uncertain significance. Last evaluated: 2025-01-27. Review status: criteria provided, single submitter. Criteria: LabCorp Variant Classification Summary - May 2015. Collection method: clinical testing. Allele origin: germline.
Comment: Variant summary: SAMHD1 c.494T>C (p.Phe165Ser) results in a non-conservative amino acid change in the encoded protein sequence. Five of five in-silico tools predict a damaging effect of the variant on protein function. The variant allele was found at a frequency of 4e-06 in 251468 control chromosomes (gnomAD). The available data on variant occurrences in the general population are insufficient to allow any conclusion about variant significance. c.494T>C has been reported in the literature in at least an individual affected with Aicardi Goutieres Syndrome where it was seen in trans with a pathogenic variant (Example: Oleksy_2022). To our knowledge, no experimental evidence demonstrating an impact on protein function has been reported. The following publication has been ascertained in the context of this evaluation (PMID: 35418820). ClinVar contains an entry for this variant (Variation ID: 445524). Based on the evidence outlined above, the variant was classified as uncertain significance.

Center for Pediatric Genomic Medicine, Children's Mercy Hospital and Clinics
Classification: Uncertain significance. Last evaluated: 2017-05-12. Review status: criteria provided, single submitter. Criteria: ACMG Guidelines, 2015. Collection method: clinical testing. Allele origin: germline.

Natera, Inc.
Classification: Uncertain significance for Aicardi-Goutieres syndrome. Last evaluated: 2021-05-27. Review status: no assertion criteria provided. Collection method: clinical testing. Allele origin: germline. Not counted in ClinVar's aggregate classification.

Literature cited by the submitters: PubMed 35418820 (cited by 4 submitters); PubMed 35418821 (cited by 3billion).

NM_015474.4(SAMHD1):c.494T>C (p.Phe165Ser)

Gene: SAMHD1 (SAM and HD domain containing deoxynucleoside triphosphate triphosphohydrolase 1; minus strand). Cytogenetic location: 20q11.23.
Variant type: single nucleotide variant.
Coding change: c.494T>C on transcript NM_015474.4 (MANE Select); coding-DNA position 494, T replaced by C.
Protein change: p.Phe165Ser; replaces phenylalanine 165 with serine.
Molecular consequence: missense variant.
Genome position (GRCh38, 1-based): chr20:36,935,044, A>G on the plus strand (T>C on the coding strand, the complement: SAMHD1 is on the minus strand). VCF-style: chr20-36935044-A-G. GRCh37 (hg19) VCF-style: chr20-35563447-A-G.
Other names: p.Phe165Ser; c.494T>C, p.Phe165Ser (NM_001363729.2, NM_001363733.2); short protein forms F165S.
Identifiers: ClinVar variation 445524 (VCV000445524.7), dbSNP rs765879627, ClinGen allele CA9844734.
Genomic context (GRCh38, chr20:36,935,044, plus strand): 5'-AAAATACTTAAAAACTGCAAGTTCCCCACCCCATTCCCTTCTTACCCTAGACTATGCTCA[A>G]ATCGATTGTGTGAAGCTCCTGGAAAAACATAGTAACCACCTCCCAGCTGTTTGATGTATC-3'
Protein context (NP_056289.2, residues 155-175): YVFPGASHNR[Phe165Ser]EHSLGVGYLA